The following is an entry in ClinVar:

NM_000051.4(ATM):c.4091_4097del (p.Asp1364fs)

Gene: ATM (ATM serine/threonine kinase; plus strand). Cytogenetic location: 11q22.3.
Variant type: Deletion.
Coding change: c.4091_4097del on transcript NM_000051.4 (MANE Select); coding-DNA positions 4091 to 4097, 7 bases deleted (ACCTCTG; older notation c.4091_4097delACCTCTG).
Protein change: p.Asp1364fs; shifts the reading frame from aspartic acid 1364.
Molecular consequence: frameshift variant.
Genome position (GRCh38, 1-based): chr11:108,287,697-108,287,703, ACCTCTG deleted; deleting any 7 consecutive bases within chr11:108,287,694-108,287,703 gives the same sequence; the c. name uses the placement nearest the transcript's 3' end. VCF-style (leftmost placement, unchanged base first): chr11-108287693-ACTGACCT-A. GRCh37 (hg19) VCF-style: chr11-108158420-ACTGACCT-A.
Other names: c.4091_4097del, p.Asp1364fs (NM_001351834.2); short protein forms D1364fs.
Identifiers: ClinVar variation 3802914 (VCV003802914.1).

ClinVar aggregate classification (germline): Pathogenic (1 of 4 stars; one submission).

Conditions:
Hereditary cancer-predisposing syndrome. Also called: Neoplastic Syndromes, Hereditary; Hereditary Cancer Syndrome; Tumor predisposition; Hereditary neoplastic syndrome. Identifiers: Orphanet 140162, MedGen C0027672, MeSH D009386, MONDO:0015356.

Submission:

Ambry Genetics
Classification: Pathogenic for Hereditary cancer-predisposing syndrome. Last evaluated: 2025-02-25. Review status: criteria provided, single submitter. Criteria: Ambry Variant Classification Scheme 2023. Collection method: clinical testing. Allele origin: germline.
Comment: The c.4091_4097delACCTCTG pathogenic mutation, located in coding exon 26 of the ATM gene, results from a deletion of 7 nucleotides at nucleotide positions 4091 to 4097, causing a translational frameshift with a predicted alternate stop codon (p.D1364Vfs*20). This variant is considered to be rare based on population cohorts in the Genome Aggregation Database (gnomAD). This alteration is expected to result in loss of function by premature protein truncation or nonsense-mediated mRNA decay. As such, this alteration is interpreted as a disease-causing mutation.